The following is an entry in ClinVar:

ClinVar aggregate classification (germline): Uncertain significance (1 of 4 stars; one submission).

Submission:

Mayo Clinic Laboratories, Mayo Clinic
Classification: Uncertain significance. Last evaluated: 2023-07-28. Review status: criteria provided, single submitter. Criteria: ACMG Guidelines, 2015. Collection method: clinical testing. Allele origin: germline. Observed: 1 variant allele.
Comment: PM2_moderate

NM_018979.4(WNK1):c.6902G>C (p.Gly2301Ala)

Gene: WNK1 (WNK lysine deficient protein kinase 1; plus strand). Cytogenetic location: 12p13.33.
Variant type: single nucleotide variant.
Coding change: c.6902G>C on transcript NM_018979.4 (MANE Select); coding-DNA position 6902, G replaced by C.
Protein change: p.Gly2301Ala; replaces glycine 2301 with alanine.
Molecular consequence: missense variant.
Genome position (GRCh38, 1-based): chr12:908,545, G>C. VCF-style: chr12-908545-G-C. GRCh37 (hg19) VCF-style: chr12-1017711-G-C.
Other names: p.Gly2553Ala; c.7682G>C, p.Gly2561Ala (NM_001184985.2); c.6158G>C, p.Gly2053Ala (NM_014823.3); c.7658G>C, p.Gly2553Ala (NM_213655.5); short protein forms G2053A, G2301A, G2553A, G2561A.
Identifiers: ClinVar variation 3380062 (VCV003380062.1).